The following is an entry in ClinVar:

ClinVar aggregate classification (germline): Uncertain significance (1 of 4 stars; one submission).

Conditions:
Spinocerebellar ataxia 47 (NEDMSF). Also called: PADDAS SYNDROME; neurodevelopmental disorder with motor abnormalities, seizures, and facial dysmorphism. Identifiers: Orphanet 642747, MedGen C4693672, MONDO:0033482, OMIM 620719.

gnomAD v4.1: 12 of 1,614,072 alleles (0.00074%); highest among the groups gnomAD compares: Non-Finnish European, 0.00085%; no homozygotes.

Submission:

Institute of Human Genetics, Clinical Exome/Genome Diagnostics Group, University Hospital Bonn
Classification: Uncertain significance. Last evaluated: 2022-03-02. Review status: criteria provided, single submitter. Criteria: ACMG Guidelines, 2015. Collection method: clinical testing. Allele origin: germline. Affected: yes.
Comment: PP2, BS2

NM_001020658.2(PUM1):c.2420C>T (p.Pro807Leu)

Gene: PUM1 (pumilio RNA binding family member 1; minus strand). Cytogenetic location: 1p35.2.
Variant type: single nucleotide variant.
Coding change: c.2420C>T on transcript NM_001020658.2 (MANE Select); coding-DNA position 2420, C replaced by T.
Protein change: p.Pro807Leu; replaces proline 807 with leucine.
Molecular consequence: missense variant.
Genome position (GRCh38, 1-based): chr1:30,953,885, G>A on the plus strand (C>T on the coding strand, the complement: PUM1 is on the minus strand). VCF-style: chr1-30953885-G-A. GRCh37 (hg19) VCF-style: chr1-31426732-G-A.
Other names: c.2420C>T, p.Pro807Leu (NM_014676.3); short protein forms P807L.
Identifiers: ClinVar variation 1343285 (VCV001343285.1), dbSNP rs779524509, ClinGen allele CA728959.